The following is an entry in ClinVar:

ClinVar aggregate classification (germline): Likely pathogenic (1 of 4 stars; one submission).

Conditions:
Cranioectodermal dysplasia 1 (CED1). Also called: LEVIN SYNDROME I. Identifiers: Orphanet 1515, MedGen C0432235, MONDO:0021093, OMIM 218330.

Submission:

Labcorp Genetics (formerly Invitae), Labcorp
Classification: Likely pathogenic for Cranioectodermal dysplasia 1. Last evaluated: 2026-02-01. Review status: criteria provided, single submitter. Criteria: Invitae Variant Classification Sherloc (09022015). Collection method: clinical testing. Allele origin: germline.
Comment: This sequence change affects a donor splice site in intron 28 of the IFT122 gene. It is expected to disrupt RNA splicing. Variants that disrupt the donor or acceptor splice site typically lead to a loss of protein function (PMID: 16199547), and loss-of-function variants in IFT122 are known to be pathogenic (PMID: 20493458, 23826986, 26792575). This variant is not present in population databases (gnomAD no frequency). This variant has not been reported in the literature in individuals affected with IFT122-related conditions. Algorithms developed to predict the effect of sequence changes on RNA splicing suggest that this variant may disrupt the consensus splice site. In summary, the currently available evidence indicates that the variant is pathogenic, but additional data are needed to prove that conclusively. Therefore, this variant has been classified as Likely Pathogenic.

Literature cited by the submitters: PubMed 16199547; PubMed 20493458; PubMed 23826986; PubMed 26792575.

NM_052989.3(IFT122):c.3391+2T>C

Gene: IFT122 (intraflagellar transport 122; plus strand). Cytogenetic location: 3q22.1.
Variant type: single nucleotide variant.
Coding change: c.3391+2T>C on transcript NM_052989.3 (MANE Select); the canonical splice donor site of the intron after coding-DNA position 3391, T replaced by C.
Molecular consequence: splice donor variant.
Genome position (GRCh38, 1-based): chr3:129,517,596, T>C. VCF-style: chr3-129517596-T-C. GRCh37 (hg19) VCF-style: chr3-129236439-T-C.
Other names: c.2941+2T>C (NM_001280545.2); c.3544+2T>C (NM_052985.4); c.3370+2T>C (NM_001280541.2); c.3394+2T>C (NM_001410808.1); c.3337+2T>C (NM_001410809.1); c.3217+2T>C (NM_001410810.1); c.3214+2T>C (NM_018262.4); c.3163+2T>C (NM_001410811.1); and 10 more.
Identifiers: ClinVar variation 4712103 (VCV004712103.1).